The following is an entry in ClinVar:

ClinVar aggregate classification (germline): Uncertain significance (1 of 4 stars; one submission).

Conditions:
Thyroid cancer, nonmedullary, 2 (NMTC2). Also called: THYROID CARCINOMA, FOLLICULAR; THYROID CANCER, NONMEDULLARY, 2, SUSCEPTIBILITY TO; Thyroid carcinoma, follicular, somatic. Identifiers: MedGen C4225426, MONDO:0008566, OMIM 188470.

Submission:

Centre for Mendelian Genomics, University Medical Centre Ljubljana
Classification: Uncertain significance for Thyroid cancer, nonmedullary, 2. Last evaluated: 2020-02-19. Review status: criteria provided, single submitter. Criteria: ACMG Guidelines, 2015. Collection method: clinical testing. Allele origin: unknown. Affected: yes.
Comment: This variant was classified as: Uncertain significance. The available evidence on this variant's pathogenicity is insufficient or conflicting. The following ACMG criteria were applied in classifying this variant: PM2.

NM_020762.4(SRGAP1):c.731_732insAG (p.Leu245fs)

Gene: SRGAP1 (SLIT-ROBO Rho GTPase activating protein 1; plus strand). Cytogenetic location: 12q14.2.
Variant type: Insertion.
Coding change: c.731_732insAG on transcript NM_020762.4 (MANE Select); coding-DNA positions 731 to 732, AG inserted.
Protein change: p.Leu245fs; shifts the reading frame from leucine 245.
Molecular consequence: frameshift variant.
Genome position: GRCh38 VCF-style: chr12-64043505-T-TAG. GRCh37 (hg19) VCF-style: chr12-64437285-T-TAG.
Other names: c.731_732insAG, p.Leu245fs (NM_001346201.2); short protein forms L245fs.
Identifiers: ClinVar variation 931830 (VCV000931830.3), dbSNP rs2035064004, ClinGen allele CA1139662759.